The following is an entry in ClinVar:

ClinVar aggregate classification (germline): Pathogenic (1 of 4 stars; one submission).

Submission:

Labcorp Genetics (formerly Invitae), Labcorp
Classification: Pathogenic. Last evaluated: 2021-05-07. Review status: criteria provided, single submitter. Criteria: Invitae Variant Classification Sherloc (09022015). Collection method: clinical testing. Allele origin: germline.
Comment: This sequence change creates a premature translational stop signal (p.Glu390*) in the CNGB3 gene. It is expected to result in an absent or disrupted protein product. Loss-of-function variants in CNGB3 are known to be pathogenic (PMID: 28795510). For these reasons, this variant has been classified as Pathogenic. Algorithms developed to predict the effect of sequence changes on RNA splicing suggest that this variant may create or strengthen a splice site, but this prediction has not been confirmed by published transcriptional studies. This variant has not been reported in the literature in individuals with CNGB3-related conditions. This variant is not present in population databases (ExAC no frequency).

Literature cited by the submitters: PubMed 28795510.

NM_019098.5(CNGB3):c.1168G>T (p.Glu390Ter)

Gene: CNGB3 (cyclic nucleotide gated channel subunit beta 3; minus strand). Cytogenetic location: 8q21.3.
Variant type: single nucleotide variant.
Coding change: c.1168G>T on transcript NM_019098.5 (MANE Select); coding-DNA position 1168, G replaced by T.
Protein change: p.Glu390Ter; replaces glutamic acid 390 with a stop codon.
Molecular consequence: nonsense.
Genome position (GRCh38, 1-based): chr8:86,643,761, C>A on the plus strand (G>T on the coding strand, the complement: CNGB3 is on the minus strand). VCF-style: chr8-86643761-C-A. GRCh37 (hg19) VCF-style: chr8-87655989-C-A.
Other names: short protein forms E390*.
Identifiers: ClinVar variation 1451386 (VCV001451386.6), dbSNP rs1823236911, ClinGen allele CA371446715.
Genomic context (GRCh38, chr8:86,643,761, plus strand): 5'-CAGAATGTTAAAAATAATCAATAAAGGTTTCTTTCAAAATCAGAACTTACTCGTTTCCTT[C>A]CCCATCATACACCCATCTAGTAGTGCCAATTCCTTCATAGTTTGAAGCCCAGTAATAAAC-3'